The following is an entry in ClinVar:

NM_003924.4(PHOX2B):c.850C>G (p.Pro284Ala)

Gene: PHOX2B (paired like homeobox 2B; minus strand). Cytogenetic location: 4p13.
Variant type: single nucleotide variant.
Coding change: c.850C>G on transcript NM_003924.4 (MANE Select); coding-DNA position 850, C replaced by G.
Protein change: p.Pro284Ala; replaces proline 284 with alanine.
Molecular consequence: missense variant.
Genome position (GRCh38, 1-based): chr4:41,745,902, G>C on the plus strand (C>G on the coding strand, the complement: PHOX2B is on the minus strand). VCF-style: chr4-41745902-G-C. GRCh37 (hg19) VCF-style: chr4-41747919-G-C.
Other names: short protein forms P284A.
Identifiers: ClinVar variation 1389561 (VCV001389561.10), dbSNP rs2153112743, ClinGen allele CA356736995.

ClinVar aggregate classification (germline): Uncertain significance. Review status: criteria provided, multiple submitters, no conflicts (2 of 4 stars). 2 submissions from 2 submitters: Uncertain significance (2). Last evaluated 2024-01-24.

Conditions:
Hereditary cancer-predisposing syndrome. Also called: Neoplastic Syndromes, Hereditary; Tumor predisposition; Hereditary neoplastic syndrome; Hereditary Cancer Syndrome. Identifiers: Orphanet 140162, MedGen C0027672, MeSH D009386, MONDO:0015356.
Haddad syndrome (OHD). Also called: Ondine-Hirschsprung disease. Identifiers: Orphanet 99803, MedGen C1859049, MONDO:0020493.

gnomAD v4.1: 3 of 1,606,838 alleles (0.00019%); highest among the groups gnomAD compares: Non-Finnish European, 0.00025%; no homozygotes.

Submissions (2):

Ambry Genetics
Classification: Uncertain significance for Hereditary cancer-predisposing syndrome. Last evaluated: 2024-01-24. Review status: criteria provided, single submitter. Criteria: Ambry Variant Classification Scheme 2023. Collection method: clinical testing. Allele origin: germline.
Comment: The p.P284A variant (also known as c.850C>G), located in coding exon 3 of the PHOX2B gene, results from a C to G substitution at nucleotide position 850. The proline at codon 284 is replaced by alanine, an amino acid with highly similar properties. This amino acid position is highly conserved in available vertebrate species. In addition, the in silico prediction for this alteration is inconclusive. Since supporting evidence is limited at this time, the clinical significance of this alteration remains unclear.

Labcorp Genetics (formerly Invitae), Labcorp
Classification: Uncertain significance for Haddad syndrome. Last evaluated: 2023-09-10. Review status: criteria provided, single submitter. Criteria: Invitae Variant Classification Sherloc (09022015). Collection method: clinical testing. Allele origin: germline.
Comment: This sequence change replaces proline, which is neutral and non-polar, with alanine, which is neutral and non-polar, at codon 284 of the PHOX2B protein (p.Pro284Ala). This variant is not present in population databases (gnomAD no frequency). In summary, the available evidence is currently insufficient to determine the role of this variant in disease. Therefore, it has been classified as a Variant of Uncertain Significance. Experimental studies and prediction algorithms are not available or were not evaluated, and the functional significance of this variant is currently unknown. ClinVar contains an entry for this variant (Variation ID: 1389561). This variant has not been reported in the literature in individuals affected with PHOX2B-related conditions.